The following is an entry in ClinVar:

ClinVar aggregate classification (germline): Uncertain significance. Review status: criteria provided, multiple submitters, no conflicts (2 of 4 stars). 2 submissions from 2 submitters: Uncertain significance (2). Last evaluated 2026-06-20.

Conditions:
Pulmonary fibrosis and/or bone marrow failure, Telomere-related, 3. Also called: PULMONARY FIBROSIS AND/OR BONE MARROW FAILURE SYNDROME, TELOMERE-RELATED, 3. Identifiers: Orphanet 2032, MedGen C4225346, MONDO:0014613, OMIM 616373.
Dyskeratosis congenita, autosomal recessive 5 (DKCB5). Identifiers: MedGen C3554656, MONDO:0014076, OMIM 615190.
Inborn genetic diseases. Identifiers: MedGen C0950123, MeSH D030342.

Allele frequency attached by ClinVar (database versions not stated): gnomAD exomes below 0.00001.

Submissions (2):

Ambry Genetics
Classification: Uncertain significance for Inborn genetic diseases. Last evaluated: 2026-06-20. Review status: criteria provided, single submitter. Criteria: Ambry Variant Classification Scheme 2023. Collection method: clinical testing. Allele origin: germline.
Comment: The p.N124D variant (also known as c.370A>G), located in coding exon 3 of the RTEL1 gene, results from an A to G substitution at nucleotide position 370. The asparagine at codon 124 is replaced by aspartic acid, an amino acid with highly similar properties. This amino acid position is conserved. In addition, this alteration is predicted to be tolerated by in silico analysis. Based on the available evidence, the clinical significance of this variant remains unclear.

Labcorp Genetics (formerly Invitae), Labcorp
Classification: Uncertain significance for Dyskeratosis congenita, autosomal recessive 5; Pulmonary fibrosis and/or bone marrow failure, Telomere-related, 3. Last evaluated: 2021-08-24. Review status: criteria provided, single submitter. Criteria: Invitae Variant Classification Sherloc (09022015). Collection method: clinical testing. Allele origin: germline.

NM_001283009.2(RTEL1):c.370A>G (p.Asn124Asp)

Genes: RTEL1 (regulator of telomere elongation helicase 1; plus strand), RTEL1-TNFRSF6B (RTEL1-TNFRSF6B readthrough (NMD candidate); plus strand). Cytogenetic location: 20q13.33.
Variant type: single nucleotide variant.
Coding change: c.370A>G on transcript NM_001283009.2 (MANE Select); coding-DNA position 370, A replaced by G.
Protein change: p.Asn124Asp; replaces asparagine 124 with aspartic acid.
Molecular consequence: missense variant. On other transcripts: non-coding transcript variant (1), 5 prime UTR variant (1).
Genome position (GRCh38, 1-based): chr20:63,661,918, A>G. VCF-style: chr20-63661918-A-G. GRCh37 (hg19) VCF-style: chr20-62293271-A-G.
Other names: c.-300A>G (NM_001283010.1); c.370A>G, p.Asn124Asp (NM_016434.4, NM_032957.5); short protein forms N124D.
Identifiers: ClinVar variation 570114 (VCV000570114.5), dbSNP rs1569080038, ClinGen allele CA409668770.
Genomic context (GRCh38, chr20:63,661,918, plus strand): 5'-ACGGACATCCCAAAGATTATTTACGCCTCCAGGACCCACTCGCAACTCACACAGGTCATC[A>G]ACGAGCTTCGGAACACCTCCTACCGGTGGGTCAGACGAGTTTACACCTGTCTCGGGGTCC-3'
Protein context (NP_001269938.1, residues 114-134): RTHSQLTQVI[Asn124Asp]ELRNTSYRPK